The following is an entry in ClinVar:

NM_000606.3(C8G):c.276-3dup

Gene: C8G (complement C8 gamma chain; plus strand). Cytogenetic location: 9q34.3.
Variant type: Duplication.
Coding change: c.276-3dup on transcript NM_000606.3 (MANE Select); 3 bases into the intron before coding-DNA position 276, one base duplicated (C; older notation c.276-3dupC).
Molecular consequence: intron variant.
Genome position (GRCh38, 1-based): chr9:136,945,926, C duplicated; the last of 7 consecutive C bases (chr9:136,945,920-136,945,926); duplicating any one gives the same sequence. VCF-style (leftmost placement, unchanged base first): chr9-136945919-G-GC. GRCh37 (hg19) VCF-style: chr9-139840371-G-GC.
Identifiers: ClinVar variation 3059399 (VCV003059399.2), dbSNP rs201974346, ClinGen allele CA5351564.

ClinVar aggregate classification (germline): Benign (0 of 4 stars; one submission).

Conditions:
C8G-related disorder. Also called: C8G-related condition.

Submission:

PreventionGenetics, part of Exact Sciences
Classification: Benign for C8G-related condition. Last evaluated: 2019-05-09. Review status: no assertion criteria provided. Collection method: clinical testing. Allele origin: germline.
Comment: This variant is classified as benign based on ACMG/AMP sequence variant interpretation guidelines (Richards et al. 2015 PMID: 25741868, with internal and published modifications).